The following is an entry in ClinVar:

NM_139318.5(KCNH5):c.2804T>C (p.Val935Ala)

Gene: KCNH5 (potassium voltage-gated channel subfamily H member 5; minus strand). Cytogenetic location: 14q23.2.
Variant type: single nucleotide variant.
Coding change: c.2804T>C on transcript NM_139318.5 (MANE Select); coding-DNA position 2804, T replaced by C.
Protein change: p.Val935Ala; replaces valine 935 with alanine.
Molecular consequence: missense variant. On other transcripts: 3 prime UTR variant (1).
Genome position (GRCh38, 1-based): chr14:62,707,671, A>G on the plus strand (T>C on the coding strand, the complement: KCNH5 is on the minus strand). VCF-style: chr14-62707671-A-G. GRCh37 (hg19) VCF-style: chr14-63174389-A-G.
Other names: c.*771T>C (NM_172375.3); short protein forms V935A.
Identifiers: ClinVar variation 2766369 (VCV002766369.3), dbSNP rs2502652498, ClinGen allele CA390099793.

ClinVar aggregate classification (germline): Uncertain significance (1 of 4 stars; one submission).

Conditions:
Early-infantile DEE. Also called: Ohtahara syndrome; Early infantile epileptic encephalopathy; Early infantile epileptic encephalopathy with suppression bursts. Identifiers: Orphanet 1934, MedGen C0393706, MONDO:0800491.

Submission:

Labcorp Genetics (formerly Invitae), Labcorp
Classification: Uncertain significance for Early-infantile DEE. Last evaluated: 2023-10-06. Review status: criteria provided, single submitter. Criteria: Invitae Variant Classification Sherloc (09022015). Collection method: clinical testing. Allele origin: germline.
Comment: This sequence change replaces valine, which is neutral and non-polar, with alanine, which is neutral and non-polar, at codon 935 of the KCNH5 protein (p.Val935Ala). This variant is not present in population databases (gnomAD no frequency). This variant has not been reported in the literature in individuals affected with KCNH5-related conditions. An algorithm developed to predict the effect of missense changes on protein structure and function (PolyPhen-2) suggests that this variant is likely to be tolerated. In summary, the available evidence is currently insufficient to determine the role of this variant in disease. Therefore, it has been classified as a Variant of Uncertain Significance.